The following is an entry in ClinVar:

NM_182914.3(SYNE2):c.20339G>T (p.Arg6780Leu)

Gene: SYNE2 (spectrin repeat containing nuclear envelope protein 2; plus strand). Cytogenetic location: 14q23.2.
Variant type: single nucleotide variant.
Coding change: c.20339G>T on transcript NM_182914.3 (MANE Select); coding-DNA position 20339, G replaced by T.
Protein change: p.Arg6780Leu; replaces arginine 6780 with leucine.
Molecular consequence: missense variant.
Genome position (GRCh38, 1-based): chr14:64,223,337, G>T. VCF-style: chr14-64223337-G-T. GRCh37 (hg19) VCF-style: chr14-64690055-G-T.
Other names: c.20270G>T, p.Arg6757Leu (NM_015180.6); c.905G>T, p.Arg302Leu (NM_182910.2); c.1283G>T, p.Arg428Leu (NM_182913.4); short protein forms R302L, R428L, R6757L, R6780L.
Identifiers: ClinVar variation 2628666 (VCV002628666.5), dbSNP rs202240664, ClinGen allele CA7224811.
Genomic context (GRCh38, chr14:64,223,337, plus strand): 5'-AAGACTGTATTGAAGCTGAAGAAAAGGTGCATGTTATTGAGAAGAAACTCAAACAGTTAC[G>T]GGAGCAAGTGTCCCAAGATTTAATGGCCTTGCAGGGAACCCAGGTGAGTCTACTTGTAGC-3'
Protein context (NP_878918.2, residues 6770-6790): HVIEKKLKQL[Arg6780Leu]EQVSQDLMAL

ClinVar aggregate classification (germline): Conflicting classifications of pathogenicity. Review status: criteria provided, conflicting classifications (1 of 4 stars). 3 submissions from 3 submitters: Uncertain significance (2); Likely benign (1). Last evaluated 2024-03-18.

Conditions:
SYNE2-related disorder. Also called: SYNE2-related condition.
Emery-Dreifuss muscular dystrophy 5, autosomal dominant (EDMD5). Also called: EMERY-DREIFUSS MUSCULAR DYSTROPHY 5. Identifiers: Orphanet 261, MedGen C2751805, MONDO:0013072, OMIM 612999.

gnomAD v4.1: 8 of 1,614,120 alleles (0.0005%); highest among the groups gnomAD compares: South Asian, 0.0044%; no homozygotes.

Submissions (3):

Ambry Genetics
Classification: Likely benign. Last evaluated: 2024-03-18. Review status: criteria provided, single submitter. Criteria: Ambry Variant Classification Scheme 2023. Collection method: clinical testing. Allele origin: germline.

Labcorp Genetics (formerly Invitae), Labcorp
Classification: Uncertain significance for Emery-Dreifuss muscular dystrophy 5, autosomal dominant. Last evaluated: 2022-11-01. Review status: criteria provided, single submitter. Criteria: Invitae Variant Classification Sherloc (09022015). Collection method: clinical testing. Allele origin: germline.
Comment: In summary, the available evidence is currently insufficient to determine the role of this variant in disease. Therefore, it has been classified as a Variant of Uncertain Significance. Algorithms developed to predict the effect of missense changes on protein structure and function output the following: SIFT: "Tolerated"; PolyPhen-2: "Benign"; Align-GVGD: "Class C0". The leucine amino acid residue is found in multiple mammalian species, which suggests that this missense change does not adversely affect protein function. This sequence change replaces arginine, which is basic and polar, with leucine, which is neutral and non-polar, at codon 6780 of the SYNE2 protein (p.Arg6780Leu). This variant has not been reported in the literature in individuals affected with SYNE2-related conditions. This variant is present in population databases (rs202240664, gnomAD 0.004%).

PreventionGenetics, part of Exact Sciences
Classification: Uncertain significance for SYNE2-related condition. Last evaluated: 2022-09-08. Review status: criteria provided, single submitter. Criteria: ACMG Guidelines, 2015. Collection method: clinical testing. Allele origin: germline.
Comment: The SYNE2 c.20339G>T variant is predicted to result in the amino acid substitution p.Arg6780Leu. To our knowledge, this variant has not been reported in the literature. This variant is reported in 0.0050% of alleles in individuals of East Asian descent in gnomAD. At this time, the clinical significance of this variant is uncertain due to the absence of conclusive functional and genetic evidence.